The following is an entry in ClinVar:

ClinVar aggregate classification (germline): Uncertain significance. Review status: criteria provided, multiple submitters, no conflicts (2 of 4 stars). 2 submissions from 2 submitters: Uncertain significance (2). Last evaluated 2024-11-28.

Conditions:
Diffuse cerebral and cerebellar atrophy - intractable seizures - progressive microcephaly syndrome. Also called: Microcephaly, progressive, with seizures and cerebral and cerebellar atrophy. Identifiers: Orphanet 404437, MedGen C4014239, MONDO:0014335, OMIM 615760.
Inborn genetic diseases. Identifiers: MedGen C0950123, MeSH D030342.

Allele frequency attached by ClinVar (database versions not stated): gnomAD exomes 0.00001; gnomAD 0.00004; TOPMed 0.00005.
gnomAD v4.1: 16 of 1,613,724 alleles (0.00099%); highest among the groups gnomAD compares: Admixed American, 0.015%; no homozygotes.

Submissions (2):

Ambry Genetics
Classification: Uncertain significance for Inborn genetic diseases. Last evaluated: 2024-11-28. Review status: criteria provided, single submitter. Criteria: Ambry Variant Classification Scheme 2023. Collection method: clinical testing. Allele origin: germline.

Labcorp Genetics (formerly Invitae), Labcorp
Classification: Uncertain significance for Diffuse cerebral and cerebellar atrophy - intractable seizures - progressive microcephaly syndrome. Last evaluated: 2022-08-31. Review status: criteria provided, single submitter. Criteria: Invitae Variant Classification Sherloc (09022015). Collection method: clinical testing. Allele origin: germline.
Comment: This sequence change replaces glutamic acid, which is acidic and polar, with glutamine, which is neutral and polar, at codon 140 of the QARS protein (p.Glu140Gln). This variant is present in population databases (no rsID available, gnomAD 0.006%). This variant has not been reported in the literature in individuals affected with QARS-related conditions. ClinVar contains an entry for this variant (Variation ID: 851630). Algorithms developed to predict the effect of missense changes on protein structure and function (SIFT, PolyPhen-2, Align-GVGD) all suggest that this variant is likely to be tolerated. In summary, the available evidence is currently insufficient to determine the role of this variant in disease. Therefore, it has been classified as a Variant of Uncertain Significance.

NM_005051.3(QARS1):c.418G>C (p.Glu140Gln)

Gene: QARS1 (glutaminyl-tRNA synthetase 1; minus strand). Cytogenetic location: 3p21.31.
Variant type: single nucleotide variant.
Coding change: c.418G>C on transcript NM_005051.3 (MANE Select); coding-DNA position 418, G replaced by C.
Protein change: p.Glu140Gln; replaces glutamic acid 140 with glutamine.
Molecular consequence: missense variant. On other transcripts: non-coding transcript variant (1).
Genome position (GRCh38, 1-based): chr3:49,103,664, C>G on the plus strand (G>C on the coding strand, the complement: QARS1 is on the minus strand). VCF-style: chr3-49103664-C-G. GRCh37 (hg19) VCF-style: chr3-49141097-C-G.
Other names: c.385G>C, p.Glu129Gln (NM_001272073.2); c.418G>C (NM_005051.1); short protein forms E129Q, E140Q.
Identifiers: ClinVar variation 851630 (VCV000851630.6), dbSNP rs896454620, ClinGen allele CA74480464.
Genomic context (GRCh38, chr3:49,103,664, plus strand): 5'-TATAGCCCCGTTCCAGGCCCTGCTCACCCATCAGCAGCCCCATGTTGAAATGGTAACGTT[C>G]CACCAGGAGCTGGGGCCGGTGCCTGTTAATAGCAGCCTCCACCTGCAGAAAGCCAAACCA-3'
Protein context (NP_005042.1, residues 130-150): INRHRPQLLV[Glu140Gln]RYHFNMGLLM